The following is an entry in ClinVar:

NM_000094.4(COL7A1):c.146T>C (p.Ile49Thr)

Gene: COL7A1 (collagen type VII alpha 1 chain; minus strand). Cytogenetic location: 3p21.31.
Variant type: single nucleotide variant.
Coding change: c.146T>C on transcript NM_000094.4 (MANE Select); coding-DNA position 146, T replaced by C.
Protein change: p.Ile49Thr; replaces isoleucine 49 with threonine.
Molecular consequence: missense variant.
Genome position (GRCh38, 1-based): chr3:48,594,488, A>G on the plus strand (T>C on the coding strand, the complement: COL7A1 is on the minus strand). VCF-style: chr3-48594488-A-G. GRCh37 (hg19) VCF-style: chr3-48631921-A-G.
Other names: short protein forms I49T.
Identifiers: ClinVar variation 2416534 (VCV002416534.4), dbSNP rs1481032900, ClinGen allele CA352749735.

ClinVar aggregate classification (germline): Uncertain significance (1 of 4 stars; one submission).

Allele frequency attached by ClinVar (database versions not stated): gnomAD exomes below 0.00001; TOPMed 0.00001; gnomAD 0.00002.
gnomAD v4.1: 4 of 1,612,228 alleles (0.00025%); highest among the groups gnomAD compares: African/African-American, 0.004%; no homozygotes.

Submission:

Labcorp Genetics (formerly Invitae), Labcorp
Classification: Uncertain significance. Last evaluated: 2023-05-02. Review status: criteria provided, single submitter. Criteria: Invitae Variant Classification Sherloc (09022015). Collection method: clinical testing. Allele origin: germline.
Comment: In summary, the available evidence is currently insufficient to determine the role of this variant in disease. Therefore, it has been classified as a Variant of Uncertain Significance. Advanced modeling of protein sequence and biophysical properties (such as structural, functional, and spatial information, amino acid conservation, physicochemical variation, residue mobility, and thermodynamic stability) has been performed at Invitae for this missense variant, however the output from this modeling did not meet the statistical confidence thresholds required to predict the impact of this variant on COL7A1 protein function. ClinVar contains an entry for this variant (Variation ID: 2416534). This variant has not been reported in the literature in individuals affected with COL7A1-related conditions. This variant is present in population databases (no rsID available, gnomAD 0.01%). This sequence change replaces isoleucine, which is neutral and non-polar, with threonine, which is neutral and polar, at codon 49 of the COL7A1 protein (p.Ile49Thr).